The following is an entry in ClinVar:

ClinVar aggregate classification (germline): Uncertain significance (1 of 4 stars; one submission).

Conditions:
Frontotemporal dementia and/or amyotrophic lateral sclerosis 4. Also called: FTDALS4. Identifiers: Orphanet 275872, MedGen C4225325, MONDO:0014641, OMIM 616439.

Submission:

Labcorp Genetics (formerly Invitae), Labcorp
Classification: Uncertain significance for Frontotemporal dementia and/or amyotrophic lateral sclerosis 4. Last evaluated: 2024-06-04. Review status: criteria provided, single submitter. Criteria: Invitae Variant Classification Sherloc (09022015). Collection method: clinical testing. Allele origin: germline.
Comment: This sequence change replaces valine, which is neutral and non-polar, with isoleucine, which is neutral and non-polar, at codon 481 of the TBK1 protein (p.Val481Ile). This variant is present in population databases (no rsID available, gnomAD 0.004%). This variant has not been reported in the literature in individuals affected with TBK1-related conditions. Algorithms developed to predict the effect of missense changes on protein structure and function output the following: SIFT: "Not Available"; PolyPhen-2: "Benign"; Align-GVGD: "Not Available". The isoleucine amino acid residue is found in multiple mammalian species, which suggests that this missense change does not adversely affect protein function. In summary, the available evidence is currently insufficient to determine the role of this variant in disease. Therefore, it has been classified as a Variant of Uncertain Significance.

NM_013254.4(TBK1):c.1441G>A (p.Val481Ile)

Gene: TBK1 (TANK binding kinase 1; plus strand). Cytogenetic location: 12q14.2.
Variant type: single nucleotide variant.
Coding change: c.1441G>A on transcript NM_013254.4 (MANE Select); coding-DNA position 1441, G replaced by A.
Protein change: p.Val481Ile; replaces valine 481 with isoleucine.
Molecular consequence: missense variant.
Genome position (GRCh38, 1-based): chr12:64,488,587, G>A. VCF-style: chr12-64488587-G-A. GRCh37 (hg19) VCF-style: chr12-64882367-G-A.
Other names: short protein forms V481I.
Identifiers: ClinVar variation 3701663 (VCV003701663.1).